The following is an entry in ClinVar:

NM_001365276.2(TNXB):c.3679C>A (p.Leu1227Met)

Gene: TNXB (tenascin XB; minus strand). Cytogenetic location: 6p21.33.
Variant type: single nucleotide variant.
Coding change: c.3679C>A on transcript NM_001365276.2 (MANE Select); coding-DNA position 3679, C replaced by A.
Protein change: p.Leu1227Met; replaces leucine 1227 with methionine.
Molecular consequence: missense variant.
Genome position (GRCh38, 1-based): chr6:32,082,093, G>T on the plus strand (C>A on the coding strand, the complement: TNXB is on the minus strand). VCF-style: chr6-32082093-G-T. GRCh37 (hg19) VCF-style: chr6-32049870-G-T.
Other names: c.3679C>A, p.Leu1227Met (NM_019105.8); short protein forms L1227M.
Identifiers: ClinVar variation 1309395 (VCV001309395.4), dbSNP rs1364802258, ClinGen allele CA363436094.

ClinVar aggregate classification (germline): Uncertain significance (1 of 4 stars; one submission).

Allele frequency attached by ClinVar (database versions not stated): gnomAD 0.00001; gnomAD exomes 0.00001; TOPMed 0.00001.
gnomAD v4.1: 15 of 1,610,410 alleles (0.00093%); highest among the groups gnomAD compares: Non-Finnish European, 0.0013%; no homozygotes.

Submission:

GeneDx
Classification: Uncertain significance. Last evaluated: 2024-08-14. Review status: criteria provided, single submitter. Criteria: GeneDx Variant Classification Process June 2021. Collection method: clinical testing. Allele origin: germline. Affected: yes.
Comment: Has not been previously published as pathogenic or benign to our knowledge; Not observed at a significant frequency in large population cohorts (gnomAD); In silico analysis supports that this missense variant does not alter protein structure/function